The following is an entry in ClinVar:

ClinVar aggregate classification (germline): Uncertain significance (1 of 4 stars; one submission).

Submission:

Labcorp Genetics (formerly Invitae), Labcorp
Classification: Uncertain significance. Last evaluated: 2025-01-22. Review status: criteria provided, single submitter. Criteria: Invitae Variant Classification Sherloc (09022015). Collection method: clinical testing. Allele origin: germline.
Comment: This sequence change affects a splice site in intron 16 of the PLEKHM2 gene. It is expected to disrupt RNA splicing. Variants that disrupt the donor or acceptor splice site typically lead to a loss of protein function (PMID: 16199547), however the current clinical and genetic evidence is not sufficient to establish whether loss-of-function variants in PLEKHM2 cause disease. This variant is present in population databases (no rsID available, gnomAD 0.01%). This variant has not been reported in the literature in individuals affected with PLEKHM2-related conditions. Algorithms developed to predict the effect of sequence changes on RNA splicing suggest that this variant may disrupt the consensus splice site. In summary, the available evidence is currently insufficient to determine the role of this variant in disease. Therefore, it has been classified as a Variant of Uncertain Significance.

Literature cited by the submitters: PubMed 16199547.

NM_015164.4(PLEKHM2):c.2466-2del

Gene: PLEKHM2 (pleckstrin homology and RUN domain containing M2; plus strand). Cytogenetic location: 1p36.21.
Variant type: Deletion.
Coding change: c.2466-2del on transcript NM_015164.4 (MANE Select); the canonical splice acceptor site of the intron before coding-DNA position 2466, one base deleted (A; older notation c.2466-2delA).
Molecular consequence: splice acceptor variant.
Genome position (GRCh38, 1-based): chr1:15,731,887, A deleted. VCF-style (leftmost placement, unchanged base first): chr1-15731886-CA-C. GRCh37 (hg19) VCF-style: chr1-16058381-CA-C.
Other names: c.2406-2del (NM_001410755.1).
Identifiers: ClinVar variation 3691766 (VCV003691766.2).